The following is an entry in ClinVar:

ClinVar aggregate classification (germline): Likely benign. Review status: criteria provided, multiple submitters, no conflicts (2 of 4 stars). 3 submissions from 3 submitters: Likely benign (3). Last evaluated 2026-01-27.

Conditions:
Cardiovascular phenotype. Identifiers: MedGen CN230736.
Dilated cardiomyopathy 1G (CMD1G). Identifiers: Orphanet 154, MedGen C1858763, MONDO:0011400, OMIM 604145.
Autosomal recessive limb-girdle muscular dystrophy type 2J (LGMDR10). Also called: MUSCULAR DYSTROPHY, LIMB-GIRDLE, AUTOSOMAL RECESSIVE 10; Limb-girdle muscular dystrophy, type 2J. Identifiers: Orphanet 140922, MedGen C1837342, MONDO:0012127, OMIM 608807.

Allele frequency attached by ClinVar (database versions not stated): gnomAD exomes below 0.00001.
gnomAD v4.1: 2 of 1,519,834 alleles (0.00013%); highest among the groups gnomAD compares: Admixed American, 0.0045%; no homozygotes.

Submissions (3):

Labcorp Genetics (formerly Invitae), Labcorp
Classification: Likely benign for Dilated cardiomyopathy 1G; Autosomal recessive limb-girdle muscular dystrophy type 2J. Last evaluated: 2026-01-27. Review status: criteria provided, single submitter. Criteria: Invitae Variant Classification Sherloc (09022015). Collection method: clinical testing. Allele origin: germline.

Ambry Genetics
Classification: Likely benign for Cardiovascular phenotype. Last evaluated: 2025-01-27. Review status: criteria provided, single submitter. Criteria: Ambry Variant Classification Scheme 2023. Collection method: clinical testing. Allele origin: germline.

GeneDx
Classification: Likely benign. Last evaluated: 2016-10-31. Review status: criteria provided, single submitter. Criteria: GeneDx Variant Classification (06012015). Collection method: clinical testing. Allele origin: germline. Affected: yes.
Comment: This variant is considered likely benign or benign based on one or more of the following criteria: it is a conservative change, it occurs at a poorly conserved position in the protein, it is predicted to be benign by multiple in silico algorithms, and/or has population frequency not consistent with disease.

NM_001267550.2(TTN):c.52086T>C (p.Cys17362=)

Genes: TTN-AS1 (TTN antisense RNA 1; plus strand), TTN (titin; minus strand). Cytogenetic location: 2q31.2.
Variant type: single nucleotide variant.
Coding change: c.52086T>C on transcript NM_001267550.2 (MANE Select); coding-DNA position 52086, T replaced by C.
Protein change: p.Cys17362=; no amino-acid change (cysteine 17362 retained).
Molecular consequence: synonymous variant.
Genome position (GRCh38, 1-based): chr2:178,609,224, A>G on the plus strand (T>C on the coding strand, the complement: TTN is on the minus strand). VCF-style: chr2-178609224-A-G. GRCh37 (hg19) VCF-style: chr2-179473951-A-G.
Other names: c.47163T>C, p.Cys15721= (NM_001256850.1); c.24891T>C, p.Cys8297= (NM_003319.4); c.44382T>C, p.Cys14794= (NM_133378.4); c.25266T>C, p.Cys8422= (NM_133432.3); c.25467T>C, p.Cys8489= (NM_133437.4).
Identifiers: ClinVar variation 390050 (VCV000390050.11), dbSNP rs1057523625, ClinGen allele CA16604012.